The following is an entry in ClinVar:

NM_000088.4(COL1A1):c.4039G>A (p.Asp1347Asn)

Gene: COL1A1 (collagen type I alpha 1 chain; minus strand). Cytogenetic location: 17q21.33.
Variant type: single nucleotide variant.
Coding change: c.4039G>A on transcript NM_000088.4 (MANE Select); coding-DNA position 4039, G replaced by A.
Protein change: p.Asp1347Asn; replaces aspartic acid 1347 with asparagine.
Molecular consequence: missense variant.
Genome position (GRCh38, 1-based): chr17:50,185,987, C>T on the plus strand (G>A on the coding strand, the complement: COL1A1 is on the minus strand). VCF-style: chr17-50185987-C-T. GRCh37 (hg19) VCF-style: chr17-48263348-C-T.
Other names: short protein forms D1347N.
Identifiers: ClinVar variation 1971695 (VCV001971695.7), dbSNP rs191166865, ClinGen allele CA8644264.

ClinVar aggregate classification (germline): Conflicting classifications of pathogenicity. Review status: criteria provided, conflicting classifications (1 of 4 stars). 3 submissions from 3 submitters: Uncertain significance (2); Benign (1). Last evaluated 2026-04-08.

Conditions:
COL1A1-related disorder. Also called: COL1A1- related disease; COL1A1-related condition.
Osteogenesis imperfecta type I (OI1). Also called: OI, TYPE I; OSTEOGENESIS IMPERFECTA TARDA; OSTEOGENESIS IMPERFECTA WITH BLUE SCLERAE; Osteogenesis imperfecta type 1; Lobstein's Disease; Lobstein disease. Identifiers: Orphanet 216796, Orphanet 666, MedGen C0023931, MONDO:0008146, OMIM 166200. Disease mechanism: loss of function.

Allele frequency attached by ClinVar (database versions not stated): TOPMed 0.00002; gnomAD 0.00004; 1000 Genomes Project 30x 0.00031; 1000 Genomes Project 0.00040.
gnomAD v4.1: 13 of 1,613,128 alleles (0.00081%); highest among the groups gnomAD compares: East Asian, 0.013%; no homozygotes.

Submissions (3):

PreventionGenetics, part of Exact Sciences
Classification: Uncertain significance for COL1A1-related condition. Last evaluated: 2026-04-08. Review status: criteria provided, single submitter. Criteria: ACMG Guidelines, 2015. Collection method: clinical testing. Allele origin: germline.
Comment: The COL1A1 c.4039G>A variant is predicted to result in the amino acid substitution p.Asp1347Asn. To our knowledge, this variant has not been reported in the literature. This variant is reported in 0.025% of alleles in individuals of East Asian descent in gnomAD. Although we suspect that this variant may be benign, at this time, the clinical significance of this variant is uncertain due to the absence of conclusive functional and genetic evidence.

Labcorp Genetics (formerly Invitae), Labcorp
Classification: Benign for Osteogenesis imperfecta type I. Last evaluated: 2025-10-03. Review status: criteria provided, single submitter. Criteria: Invitae Variant Classification Sherloc (09022015). Collection method: clinical testing. Allele origin: germline.

ARUP Laboratories, Molecular Genetics and Genomics, ARUP Laboratories
Classification: Uncertain significance. Last evaluated: 2025-03-27. Review status: criteria provided, single submitter. Criteria: ARUP Molecular Germline Variant Investigation Process 2024. Collection method: clinical testing. Allele origin: germline.
Comment: The COL1A1 c.4039G>A; p.Asp1347Asn variant (rs191166865, ClinVar Variation ID: 1971695) is reported in the literature in one family affected with keratoconus, but it is uncertain if the variant is causative (Li 2025). This variant is found in the general population with an overall allele frequency of 0.003% (8/279,938 alleles) in the Genome Aggregation Database (v2.1.1). Computational analyses are uncertain whether this variant is neutral or deleterious (REVEL: 0.41). Due to limited information, the clinical significance of this variant is uncertain at this time. References: Li X et al. Subclinical parents assist in the detection of genetic variants in keratoconus by trio-based whole-exome sequencing. Mol Vis. 2025 Feb 17;31:23-32. PMID: 40098727.